The following is an entry in ClinVar:

NM_001904.4(CTNNB1):c.1441del (p.Ala481fs)

Genes: CTNNB1 (catenin beta 1; plus strand), LOC126806659 (BRD4-independent group 4 enhancer GRCh37_chr3:41274918-41276117; plus strand). Cytogenetic location: 3p22.1.
Variant type: Deletion.
Coding change: c.1441del on transcript NM_001904.4 (MANE Select); coding-DNA position 1441, one base deleted (G; older notation c.1441delG).
Protein change: p.Ala481fs; shifts the reading frame from alanine 481.
Molecular consequence: frameshift variant.
Genome position (GRCh38, 1-based): chr3:41,233,784, G deleted; the last of 2 consecutive G bases (chr3:41,233,783-41,233,784); deleting either gives the same sequence. VCF-style (leftmost placement, unchanged base first): chr3-41233782-TG-T. GRCh37 (hg19) VCF-style: chr3-41275273-TG-T.
Other names: c.1441del, p.Ala481fs (NM_001098209.2, NM_001098210.2); c.1420del, p.Ala474fs (NM_001330729.2); short protein forms A474fs, A481fs.
Identifiers: ClinVar variation 3898931 (VCV003898931.1).

ClinVar aggregate classification (germline): Likely pathogenic (1 of 4 stars; one submission).

Submission:

GeneDx
Classification: Likely pathogenic. Last evaluated: 2024-11-07. Review status: criteria provided, single submitter. Criteria: GeneDx Variant Classification Process June 2021. Collection method: clinical testing. Allele origin: germline. Affected: yes.
Comment: Frameshift variant predicted to result in protein truncation or nonsense mediated decay in a gene for which loss of function is a known mechanism of disease; Not observed at significant frequency in large population cohorts (gnomAD); Has not been previously published as pathogenic or benign to our knowledge